The following is an entry in ClinVar:

NM_000693.4(ALDH1A3):c.1459A>G (p.Arg487Gly)

Genes: ALDH1A3 (aldehyde dehydrogenase 1 family member A3; plus strand), ALDH1A3-AS1 (ALDH1A3 antisense RNA 1; minus strand). Cytogenetic location: 15q26.3.
Variant type: single nucleotide variant.
Coding change: c.1459A>G on transcript NM_000693.4 (MANE Select); coding-DNA position 1459, A replaced by G.
Protein change: p.Arg487Gly; replaces arginine 487 with glycine.
Molecular consequence: missense variant.
Genome position (GRCh38, 1-based): chr15:100,908,475, A>G. VCF-style: chr15-100908475-A-G. GRCh37 (hg19) VCF-style: chr15-101448680-A-G.
Other names: c.1138A>G, p.Arg380Gly (NM_001293815.2); short protein forms R380G, R487G.
Identifiers: ClinVar variation 1802999 (VCV001802999.2), dbSNP rs2505576497, ClinGen allele CA393948314.
Genomic context (GRCh38, chr15:100,908,475, plus strand): 5'-TGCTACAACGCCCTCTATGCACAGGCTCCATTTGGTGGCTTTAAAATGTCAGGAAATGGC[A>G]GAGAACTGTAAGTGTTTCCATCATTCTGAGCCTGCCGTGGGCTGAACACTAGATCCACTA-3'
Protein context (NP_000684.2, residues 477-497): FGGFKMSGNG[Arg487Gly]ELGEYALAEY

ClinVar aggregate classification (germline): Likely pathogenic (1 of 4 stars; one submission).

Conditions:
Isolated microphthalmia 8. Identifiers: Orphanet 2542, MedGen C3554524, MONDO:0014050, OMIM 615113.

Submission:

Molecular Genetics of Human Eye Development, Oxford Brookes University
Classification: Likely pathogenic for Isolated microphthalmia 8. Last evaluated: 2022-09-01. Review status: criteria provided, single submitter. Criteria: ACMG Guidelines, 2015. Collection method: research. Allele origin: inherited. Affected: yes. Observed: 1 variant allele.
Comment: compound heterozygous with NM_000693.4:c.845G>C